The following is an entry in ClinVar:

ClinVar aggregate classification (germline): Uncertain significance (1 of 4 stars; one submission).

Conditions:
Hereditary cancer-predisposing syndrome. Also called: Tumor predisposition; Hereditary Cancer Syndrome; Hereditary neoplastic syndrome; Neoplastic Syndromes, Hereditary. Identifiers: Orphanet 140162, MedGen C0027672, MeSH D009386, MONDO:0015356.

Submission:

Ambry Genetics
Classification: Uncertain significance for Hereditary cancer-predisposing syndrome. Last evaluated: 2024-04-11. Review status: criteria provided, single submitter. Criteria: Ambry Variant Classification Scheme 2023. Collection method: clinical testing. Allele origin: germline.
Comment: The c.632_634delGAC variant (also known as p.R211del) is located in coding exon 6 of the PMS2 gene. This variant results from an in-frame GAC deletion at nucleotide positions 632 to 634. This results in the in-frame deletion of an arginine at codon 211. This amino acid position is well conserved in available vertebrate species. In addition, this alteration is predicted to be deleterious by in silico analysis (Choi Y et al. PLoS ONE. 2012; 7(10):e46688). Based on the available evidence, the clinical significance of this variant remains unclear.

NM_000535.7(PMS2):c.632_634del (p.Arg211del)

Gene: PMS2 (PMS1 homolog 2, mismatch repair system component; minus strand). Cytogenetic location: 7p22.1.
Variant type: Deletion.
Coding change: c.632_634del on transcript NM_000535.7 (MANE Select); coding-DNA positions 632 to 634, 3 bases deleted (GAC; older notation c.632_634delGAC).
Protein change: p.Arg211del; deletes arginine 211.
Molecular consequence: inframe deletion. On other transcripts: inframe indel (1), 5 prime UTR variant (2), intron variant (9), non-coding transcript variant (1).
Genome position (GRCh38, 1-based): chr7:5,999,179-5,999,181, GTC deleted on the plus strand (GAC on the coding strand, the reverse complement: PMS2 is on the minus strand); deleting any 3 consecutive bases within chr7:5,999,179-5,999,183 gives the same sequence; the c. name uses the placement nearest the transcript's 3' end. VCF-style (leftmost placement, unchanged base first): chr7-5999178-TGTC-T. GRCh37 (hg19) VCF-style: chr7-6038809-TGTC-T.
Other names: c.632_634delGAC (NM_000535.5); c.314_316del, p.Arg105del (NM_001322008.2, NM_001406883.1, NM_001322007.2 and 4 more transcripts); c.227_229del, p.Arg76del (NM_001322009.2, NM_001322010.2, NM_001406887.1 and 19 more transcripts); c.-302_-300del (NM_001322011.2, NM_001322012.2); c.632_634del, p.Arg211del (NM_001322014.2, NM_001322006.2, NM_001406870.1 and 4 more transcripts); c.323_325del, p.Arg108del (NM_001322015.2, NM_001406881.1, NM_001406882.1 and 6 more transcripts); c.818_820del, p.Arg273del (NM_001406866.1); c.656_658del, p.Arg219del (NM_001406868.1); and 7 more; short protein forms R105del, R211del, R219del, R273del, R76del, R108del, R99del.
Identifiers: ClinVar variation 3308085 (VCV003308085.1).
Genomic context (GRCh38, chr7:5,999,178, plus strand): 5'-CCAAACACAGAGCCGATATTTTCCTTTATGCTGGGGCTTCCACCTGTGCATACCACAGGC[TGTC>T]GTTTTCCTTGTCCAAGCTGATTGGTGCAACTTACACGGATGCCTGCTGAAATGATACAGT-3'